The following is an entry in ClinVar:

NM_176824.3(BBS7):c.1093_1094del (p.Gln365fs)

Gene: BBS7 (Bardet-Biedl syndrome 7; minus strand). Cytogenetic location: 4q27.
Variant type: Deletion.
Coding change: c.1093_1094del on transcript NM_176824.3 (MANE Select); coding-DNA positions 1093 to 1094, 2 bases deleted (CA; older notation c.1093_1094delCA).
Protein change: p.Gln365fs; shifts the reading frame from glutamine 365.
Molecular consequence: frameshift variant.
Genome position (GRCh38, 1-based): chr4:121,845,640-121,845,641, TG deleted on the plus strand (CA on the coding strand, the reverse complement: BBS7 is on the minus strand); deleting any 2 consecutive bases within chr4:121,845,640-121,845,642 gives the same sequence; the c. name uses the placement nearest the transcript's 3' end. VCF-style (leftmost placement, unchanged base first): chr4-121845639-CTG-C. GRCh37 (hg19) VCF-style: chr4-122766794-CTG-C.
Other names: c.1093_1094del, p.Gln365fs (NM_018190.4); short protein forms Q365fs.
Identifiers: ClinVar variation 1076876 (VCV001076876.7), dbSNP rs2149068932, ClinGen allele CA2499217063.

ClinVar aggregate classification (germline): Pathogenic (1 of 4 stars; one submission).

Conditions:
Bardet-Biedl syndrome (BBS). Identifiers: Orphanet 110, MedGen C0752166, MONDO:0015229.

Submission:

Labcorp Genetics (formerly Invitae), Labcorp
Classification: Pathogenic for Bardet-Biedl syndrome. Last evaluated: 2021-03-05. Review status: criteria provided, single submitter. Criteria: Invitae Variant Classification Sherloc (09022015). Collection method: clinical testing. Allele origin: germline.
Comment: This sequence change creates a premature translational stop signal (p.Gln365Valfs*18) in the BBS7 gene. It is expected to result in an absent or disrupted protein product. This variant is not present in population databases (ExAC no frequency). This variant has not been reported in the literature in individuals with BBS7-related conditions. Loss-of-function variants in BBS7 are known to be pathogenic (PMID: 12567324, 19402160, 21209035, 31196119). For these reasons, this variant has been classified as Pathogenic.

Literature cited by the submitters: PubMed 12567324; PubMed 19402160; PubMed 21209035; PubMed 31196119.